The following is an entry in ClinVar:

ClinVar aggregate classification (germline): Likely benign (1 of 4 stars; one submission).

gnomAD v4.1: 18 of 1,613,424 alleles (0.0011%); highest among the groups gnomAD compares: African/African-American, 0.0013%; no homozygotes.

Submission:

CeGaT Center for Human Genetics Tuebingen
Classification: Likely benign. Last evaluated: 2025-06-01. Review status: criteria provided, single submitter. Criteria: CeGaT Center For Human Genetics Tuebingen Variant Classification Criteria Version 2. Collection method: clinical testing. Allele origin: germline. Affected: yes. Observed: 1 variant allele.
Comment: CENPF: BP4, BP7

NM_016343.4(CENPF):c.5433C>T (p.Leu1811=)

Gene: CENPF (centromere protein F; plus strand). Cytogenetic location: 1q41.
Variant type: single nucleotide variant.
Coding change: c.5433C>T on transcript NM_016343.4 (MANE Select); coding-DNA position 5433, C replaced by T.
Protein change: p.Leu1811=; no amino-acid change (leucine 1811 retained).
Molecular consequence: synonymous variant.
Genome position (GRCh38, 1-based): chr1:214,645,003, C>T. VCF-style: chr1-214645003-C-T. GRCh37 (hg19) VCF-style: chr1-214818346-C-T.
Identifiers: ClinVar variation 3905374 (VCV003905374.10).